The following is an entry in ClinVar:

NM_005751.5(AKAP9):c.9648A>G (p.Lys3216=)

Gene: AKAP9 (A-kinase anchoring protein 9; plus strand). Cytogenetic location: 7q21.2.
Variant type: single nucleotide variant.
Coding change: c.9648A>G on transcript NM_005751.5 (MANE Select); coding-DNA position 9648, A replaced by G.
Protein change: p.Lys3216=; no amino-acid change (lysine 3216 retained).
Molecular consequence: synonymous variant.
Genome position (GRCh38, 1-based): chr7:92,095,092, A>G. VCF-style: chr7-92095092-A-G. GRCh37 (hg19) VCF-style: chr7-91724406-A-G.
Other names: c.4293A>G, p.Lys1431= (NM_001379277.1); c.9624A>G, p.Lys3208= (NM_147185.3).
Identifiers: ClinVar variation 240266 (VCV000240266.23), dbSNP rs146710448, ClinGen allele CA4337811.

ClinVar aggregate classification (germline): Benign/Likely benign. Review status: criteria provided, multiple submitters, no conflicts (2 of 4 stars). 6 submissions from 6 submitters: Benign (4); Likely benign (2). Last evaluated 2026-08-10.

Conditions:
AKAP9-related disorder. Also called: AKAP9-related condition.
Cardiovascular phenotype. Identifiers: MedGen CN230736.
Long QT syndrome (LQTS). Identifiers: MedGen C0023976, MeSH D008133, MONDO:0002442. Disease mechanism: loss of function. Inheritance: Various modes of inheritance.

Allele frequency attached by ClinVar (database versions not stated): gnomAD exomes 0.00027 and 0.00071; ExAC 0.00086; 1000 Genomes Project 30x 0.00187; 1000 Genomes Project 0.00200; gnomAD 0.00269 and 0.00289; TOPMed 0.00291; ESP Exome Variant Server 0.00354.
gnomAD v4.1: 824 of 1,614,222 alleles (0.051%); highest among the groups gnomAD compares: African/African-American, 0.94%; 5 homozygotes.

Submissions (6):

PreventionGenetics, part of Exact Sciences
Classification: Likely benign for AKAP9-related condition. Last evaluated: 2026-08-10. Review status: criteria provided, single submitter. Criteria: ACMG Guidelines, 2015. Collection method: clinical testing. Allele origin: germline.
Comment: This variant is classified as likely benign based on ACMG/AMP sequence variant interpretation guidelines (Richards et al. 2015 PMID: 25741868, with internal and published modifications).

Labcorp Genetics (formerly Invitae), Labcorp
Classification: Benign for Long QT syndrome. Last evaluated: 2026-01-24. Review status: criteria provided, single submitter. Criteria: Invitae Variant Classification Sherloc (09022015). Collection method: clinical testing. Allele origin: germline.

Blueprint Genetics
Classification: Likely benign. Last evaluated: 2024-09-02. Review status: criteria provided, single submitter. Criteria: ACMG Guidelines, 2015. Collection method: clinical testing. Allele origin: germline.

Women's Health and Genetics/Laboratory Corporation of America, LabCorp
Classification: Benign. Last evaluated: 2020-12-21. Review status: criteria provided, single submitter. Criteria: LabCorp Variant Classification Summary - May 2015. Collection method: clinical testing. Allele origin: germline.

Ambry Genetics
Classification: Benign for Cardiovascular phenotype. Last evaluated: 2015-12-02. Review status: criteria provided, single submitter. Criteria: Ambry Variant Classification Scheme 2023. Collection method: clinical testing. Allele origin: germline.

GeneDx
Classification: Benign. Last evaluated: 2015-03-03. Review status: criteria provided, single submitter. Criteria: GeneDx Variant Classification Process June 2021. Collection method: clinical testing. Allele origin: germline. Affected: yes.